The following is an entry in ClinVar:

ClinVar aggregate classification (germline): Uncertain significance (1 of 4 stars; one submission).

Submission:

Ambry Genetics
Classification: Uncertain significance. Last evaluated: 2021-09-30. Review status: criteria provided, single submitter. Criteria: Ambry Variant Classification Scheme 2023. Collection method: clinical testing. Allele origin: germline.
Comment: The p.L232R variant (also known as c.695T>G), located in coding exon 5 of the POLQ gene, results from a T to G substitution at nucleotide position 695. The leucine at codon 232 is replaced by arginine, an amino acid with dissimilar properties. This amino acid position is conserved. In addition, the in silico prediction for this alteration is inconclusive. Since supporting evidence is limited at this time, the clinical significance of this alteration remains unclear.

NM_199420.4(POLQ):c.695T>G (p.Leu232Arg)

Gene: POLQ (DNA polymerase theta; minus strand). Cytogenetic location: 3q13.33.
Variant type: single nucleotide variant.
Coding change: c.695T>G on transcript NM_199420.4 (MANE Select); coding-DNA position 695, T replaced by G.
Protein change: p.Leu232Arg; replaces leucine 232 with arginine.
Molecular consequence: missense variant.
Genome position (GRCh38, 1-based): chr3:121,537,145, A>C on the plus strand (T>G on the coding strand, the complement: POLQ is on the minus strand). VCF-style: chr3-121537145-A-C. GRCh37 (hg19) VCF-style: chr3-121255992-A-C.
Other names: short protein forms L232R.
Identifiers: ClinVar variation 1756329 (VCV001756329.2), dbSNP rs2546822746, ClinGen allele CA354090509.